The following is an entry in ClinVar:

ClinVar aggregate classification (germline): Pathogenic. Review status: criteria provided, multiple submitters, no conflicts (2 of 4 stars). 2 submissions from 2 submitters: Pathogenic (2). Last evaluated 2023-04-27.

Conditions:
Duchenne muscular dystrophy (DMD). Also called: MUSCULAR DYSTROPHY, PSEUDOHYPERTROPHIC PROGRESSIVE, DUCHENNE TYPE; Duchenne Muscular Dystrophy (DMD). Identifiers: Orphanet 98896, MedGen C0013264, MONDO:0010679, OMIM 310200.

Submissions (2):

Labcorp Genetics (formerly Invitae), Labcorp
Classification: Pathogenic for Duchenne muscular dystrophy. Last evaluated: 2023-04-27. Review status: criteria provided, single submitter. Criteria: Invitae Variant Classification Sherloc (09022015). Collection method: clinical testing. Allele origin: germline.
Comment: For these reasons, this variant has been classified as Pathogenic. Algorithms developed to predict the effect of sequence changes on RNA splicing suggest that this variant may disrupt the consensus splice site. Disruption of this splice site has been observed in individual(s) with clinical features of dystrophinopathy (Invitae). In at least one individual the variant was observed to be de novo. This variant is not present in population databases (gnomAD no frequency). This sequence change affects an acceptor splice site in intron 50 of the DMD gene. It is expected to disrupt RNA splicing. Variants that disrupt the donor or acceptor splice site typically lead to a loss of protein function (PMID: 16199547), and loss-of-function variants in DMD are known to be pathogenic (PMID: 16770791, 25007885).

Genomic Diagnostics Laboratory, National Institute of Medical Genomics
Classification: Pathogenic for Duchenne muscular dystrophy. Review status: criteria provided, single submitter. Criteria: ACMG Guidelines, 2015. Collection method: research. Allele origin: germline. Affected: yes.

Literature cited by the submitters: PubMed 16199547 (cited by Labcorp Genetics (formerly Invitae), Labcorp); PubMed 16770791 (cited by Labcorp Genetics (formerly Invitae), Labcorp); PubMed 25007885 (cited by Labcorp Genetics (formerly Invitae), Labcorp).

NM_004006.3(DMD):c.7310-2A>G

Gene: DMD (dystrophin; minus strand). Cytogenetic location: Xp21.1.
Variant type: single nucleotide variant.
Coding change: c.7310-2A>G on transcript NM_004006.3 (MANE Select); the canonical splice acceptor site of the intron before coding-DNA position 7310, A replaced by G.
Molecular consequence: splice acceptor variant.
Genome position (GRCh38, 1-based): chrX:31,774,194, T>C on the plus strand (A>G on the coding strand, the complement: DMD is on the minus strand). VCF-style: chrX-31774194-T-C. GRCh37 (hg19) VCF-style: chrX-31792311-T-C.
Other names: c.7286-2A>G (NM_000109.4); c.3287-2A>G (NM_004011.4); c.3278-2A>G (NM_004012.4); c.-71-2A>G (NM_004023.3, NM_004020.4, NM_004022.3 and 2 more transcripts); c.7298-2A>G (NM_004009.3); c.6941-2A>G (NM_004010.3).
Identifiers: ClinVar variation 2845709 (VCV002845709.4), dbSNP rs2530843714, ClinGen allele CA412659205.